The following is an entry in ClinVar:

NM_001199107.2(TBC1D24):c.1633A>G (p.Ile545Val)

Gene: TBC1D24 (TBC1 domain family member 24; plus strand). Cytogenetic location: 16p13.3.
Variant type: single nucleotide variant.
Coding change: c.1633A>G on transcript NM_001199107.2 (MANE Select); coding-DNA position 1633, A replaced by G.
Protein change: p.Ile545Val; replaces isoleucine 545 with valine.
Molecular consequence: missense variant.
Genome position (GRCh38, 1-based): chr16:2,500,911, A>G. VCF-style: chr16-2500911-A-G. GRCh37 (hg19) VCF-style: chr16-2550912-A-G.
Other names: c.1615A>G, p.Ile539Val (NM_020705.3); short protein forms I545V, I539V.
Identifiers: ClinVar variation 392542 (VCV000392542.14), dbSNP rs773874436, ClinGen allele CA7844365.

ClinVar aggregate classification (germline): Uncertain significance. Review status: criteria provided, multiple submitters, no conflicts (2 of 4 stars). 4 submissions from 4 submitters: Uncertain significance (4). Last evaluated 2025-06-26.

Conditions:
Developmental and epileptic encephalopathy, 1 (DEE1). Also called: X-linked infantile spasms; West's syndrome; Tonic spasms with clustering, arrest of psychomotor development and hypsarrhythmia on EEG; X-Linked Infantile Spasm Syndrome; OHTAHARA SYNDROME, X-LINKED; INFANTILE SPASM SYNDROME, X-LINKED 1. Identifiers: MedGen C3463992, MONDO:0010632, OMIM 308350. Disease mechanism: loss of function.
Autosomal dominant nonsyndromic hearing loss 65. Also called: TBC1D24-Related Autosomal Dominant Nonsyndromic Hearing Loss (DFNA); Deafness, autosomal dominant 65. Identifiers: Orphanet 90635, MedGen C3892048, MONDO:0014470, OMIM 616044.
DOORS syndrome (DOORS). Also called: DRC SYNDROME; BRACHYDACTYLY DUE TO ABSENCE OF DISTAL PHALANGES; ERONEN SYNDROME; DEAFNESS, ONYCHODYSTROPHY, OSTEODYSTROPHY, IMPAIRED INTELLECTUAL DEVELOPMENT, AND SEIZURES SYNDROME; DOORS Syndrome (Deafness, Onychodystrophy, Osteodystrophy, Mental Retardation, and Seizures); DOOR SYNDROME. Identifiers: Orphanet 3231, Orphanet 79500, MedGen C0795934, MONDO:0009079, OMIM 220500. Disease mechanism: loss of function.
Rolandic epilepsy-paroxysmal exercise-induced dystonia-writer's cramp syndrome. Also called: TBC1D24-Related Rolandic Epilepsy with Paroxysmal Exercise-Induced Dystonia and Writer's Cramp (EPRPDC); RE-PED-WC. Identifiers: Orphanet 163727, MedGen C1842531, MONDO:0011970, OMIM 608105.
Familial infantile myoclonic epilepsy (FIME). Also called: TBC1D24-Related Familial Infantile Myoclonic Epilepsy (FIME); Epilepsy, Myoclonic, Infantile. Identifiers: Orphanet 352582, MedGen C0917800, MONDO:0011506, OMIM 605021.
Autosomal recessive nonsyndromic hearing loss 86 (DFNB86). Also called: TBC1D24-Related Autosomal Recessive Nonsyndromic Hearing Loss (DFNB); Deafness , autosomal recessive 86. Identifiers: Orphanet 90636, MedGen C2829265, MONDO:0013826, OMIM 614617.
Developmental and epileptic encephalopathy, 16 (DEE16). Also called: TBC1D24-Related Developmental and Epileptic Encephalopathy (DEE); Early infantile epileptic encephalopathy 16. Identifiers: Orphanet 293181, Orphanet 352596, MedGen C3809173, MONDO:0014133, OMIM 615338.
Inborn genetic diseases. Identifiers: MedGen C0950123, MeSH D030342.

Allele frequency attached by ClinVar (database versions not stated): gnomAD exomes 0.00001; gnomAD 0.00003; TOPMed 0.00002.

Submissions (4):

GeneDx
Classification: Uncertain significance. Last evaluated: 2025-06-26. Review status: criteria provided, single submitter. Criteria: GeneDx Variant Classification Process June 2021. Collection method: clinical testing. Allele origin: germline. Affected: yes.
Comment: Not observed at significant frequency in large population cohorts (gnomAD); In silico analysis suggests that this missense variant does not alter protein structure/function; Has not been previously published as pathogenic or benign to our knowledge

Labcorp Genetics (formerly Invitae), Labcorp
Classification: Uncertain significance for Developmental and epileptic encephalopathy, 1; Autosomal dominant nonsyndromic hearing loss 65. Last evaluated: 2024-10-10. Review status: criteria provided, single submitter. Criteria: Invitae Variant Classification Sherloc (09022015). Collection method: clinical testing. Allele origin: germline.
Comment: This sequence change replaces isoleucine, which is neutral and non-polar, with valine, which is neutral and non-polar, at codon 545 of the TBC1D24 protein (p.Ile545Val). This variant is present in population databases (rs773874436, gnomAD 0.01%). This variant has not been reported in the literature in individuals affected with TBC1D24-related conditions. ClinVar contains an entry for this variant (Variation ID: 392542). Invitae Evidence Modeling of protein sequence and biophysical properties (such as structural, functional, and spatial information, amino acid conservation, physicochemical variation, residue mobility, and thermodynamic stability) indicates that this missense variant is not expected to disrupt TBC1D24 protein function with a negative predictive value of 80%. In summary, the available evidence is currently insufficient to determine the role of this variant in disease. Therefore, it has been classified as a Variant of Uncertain Significance.

Ambry Genetics
Classification: Uncertain significance for Inborn genetic diseases. Last evaluated: 2023-11-22. Review status: criteria provided, single submitter. Criteria: Ambry Variant Classification Scheme 2023. Collection method: clinical testing. Allele origin: germline.

Fulgent Genetics
Classification: Uncertain significance for DOORS syndrome; Familial infantile myoclonic epilepsy; Rolandic epilepsy-paroxysmal exercise-induced dystonia-writer's cramp syndrome; Autosomal recessive nonsyndromic hearing loss 86; Developmental and epileptic encephalopathy, 16; Autosomal dominant nonsyndromic hearing loss 65. Last evaluated: 2021-12-01. Review status: criteria provided, single submitter. Criteria: ACMG Guidelines, 2015. Collection method: clinical testing. Allele origin: unknown.